The following is an entry in ClinVar:

ClinVar aggregate classification (germline): Pathogenic (1 of 4 stars; one submission).

Conditions:
Duchenne muscular dystrophy (DMD). Also called: Duchenne Muscular Dystrophy (DMD); MUSCULAR DYSTROPHY, PSEUDOHYPERTROPHIC PROGRESSIVE, DUCHENNE TYPE. Identifiers: Orphanet 98896, MedGen C0013264, MONDO:0010679, OMIM 310200.

Submission:

Labcorp Genetics (formerly Invitae), Labcorp
Classification: Pathogenic for Duchenne muscular dystrophy. Last evaluated: 2022-08-22. Review status: criteria provided, single submitter. Criteria: Invitae Variant Classification Sherloc (09022015). Collection method: clinical testing. Allele origin: germline.
Comment: This variant is a gross deletion of the genomic region encompassing exon(s) 1-25 of the DMD gene, which includes the initiator codon. This deletion extends beyond the assayed region for this gene and therefore may encompass additional genes. It is expected to result in an absent or disrupted protein product. Loss-of-function variants in DMD are known to be pathogenic (PMID: 16770791, 25007885). This variant has not been reported in the literature in individuals affected with DMD-related conditions. For these reasons, this variant has been classified as Pathogenic.

Literature cited by the submitters: PubMed 16770791; PubMed 25007885.

NC_000023.10:g.(?_32481536)_(33229429_?)del

Gene: DMD (dystrophin; minus strand). Cytogenetic location: Xp21.1.
Variant type: Deletion.
Identifiers: ClinVar variation 2424874 (VCV002424874.5).